The following is an entry in ClinVar:

NM_000268.4(NF2):c.1234A>C (p.Ile412Leu)

Gene: NF2 (NF2, moesin-ezrin-radixin like (MERLIN) tumor suppressor; plus strand). Cytogenetic location: 22q12.2.
Variant type: single nucleotide variant.
Coding change: c.1234A>C on transcript NM_000268.4 (MANE Select); coding-DNA position 1234, A replaced by C.
Protein change: p.Ile412Leu; replaces isoleucine 412 with leucine.
Molecular consequence: missense variant. On other transcripts: non-coding transcript variant (1), intron variant (1).
Genome position (GRCh38, 1-based): chr22:29,673,380, A>C. VCF-style: chr22-29673380-A-C. GRCh37 (hg19) VCF-style: chr22-30069369-A-C.
Other names: c.1234A>C, p.Ile412Leu (NM_016418.5, NM_181825.3, NM_181832.3); c.1108A>C, p.Ile370Leu (NM_181828.3); c.1111A>C, p.Ile371Leu (NM_181829.3); c.985A>C, p.Ile329Leu (NM_181830.3, NM_181831.3); c.448-21372A>C (NM_181833.3); short protein forms I370L, I371L, I412L, I329L.
Identifiers: ClinVar variation 939634 (VCV000939634.10), dbSNP rs2066862452, ClinGen allele CA411148267.

ClinVar aggregate classification (germline): Uncertain significance (1 of 4 stars; one submission).

Conditions:
Neurofibromatosis, type 2 (SWNV). Also called: BILATERAL ACOUSTIC NEUROFIBROMATOSIS; SCHWANNOMATOSIS, VESTIBULAR; NF2-Related Schwannomatosis. Identifiers: Orphanet 637, MedGen C0027832, MONDO:0007039, OMIM 101000. Disease mechanism: loss of function.

Submission:

Labcorp Genetics (formerly Invitae), Labcorp
Classification: Uncertain significance for Neurofibromatosis, type 2. Last evaluated: 2019-09-06. Review status: criteria provided, single submitter. Criteria: Invitae Variant Classification Sherloc (09022015). Collection method: clinical testing. Allele origin: germline.
Comment: This sequence change replaces isoleucine with leucine at codon 412 of the NF2 protein (p.Ile412Leu). The isoleucine residue is moderately conserved and there is a small physicochemical difference between isoleucine and leucine. This variant is not present in population databases (ExAC no frequency). Algorithms developed to predict the effect of missense changes on protein structure and function (SIFT, PolyPhen-2, Align-GVGD) all suggest that this variant is likely to be tolerated, but these predictions have not been confirmed by published functional studies and their clinical significance is uncertain. This variant has not been reported in the literature in individuals with NF2-related conditions. In summary, the available evidence is currently insufficient to determine the role of this variant in disease. Therefore, it has been classified as a Variant of Uncertain Significance.